The following is an entry in ClinVar:

ClinVar aggregate classification (germline): Likely benign. Review status: criteria provided, single submitter (1 of 4 stars). 2 submissions from 2 submitters: Likely benign (1). 1 of the submissions does not count toward it. Last evaluated 2026-02-01.

Conditions:
MYO5B-related disorder. Also called: MYO5B-related condition.

Allele frequency attached by ClinVar (database versions not stated): ExAC 0.00002; gnomAD exomes 0.00004; gnomAD 0.00005 and 0.00006; TOPMed 0.00006.
gnomAD v4.1: 146 of 1,614,058 alleles (0.009%); highest among the groups gnomAD compares: East Asian, 0.02%; no homozygotes.

Submissions (2):

Labcorp Genetics (formerly Invitae), Labcorp
Classification: Likely benign. Last evaluated: 2026-02-01. Review status: criteria provided, single submitter. Criteria: Invitae Variant Classification Sherloc (09022015). Collection method: clinical testing. Allele origin: germline.

PreventionGenetics, part of Exact Sciences
Classification: Likely benign for MYO5B-related condition. Last evaluated: 2021-05-21. Review status: no assertion criteria provided. Collection method: clinical testing. Allele origin: germline. Not counted in ClinVar's aggregate classification.
Comment: This variant is classified as likely benign based on ACMG/AMP sequence variant interpretation guidelines (Richards et al. 2015 PMID: 25741868, with internal and published modifications).

NM_001080467.3(MYO5B):c.4638G>A (p.Thr1546=)

Genes: MYO5B (myosin VB; minus strand), SNHG22 (small nucleolar RNA host gene 22; plus strand). Cytogenetic location: 18q21.1.
Variant type: single nucleotide variant.
Coding change: c.4638G>A on transcript NM_001080467.3 (MANE Select); coding-DNA position 4638, G replaced by A.
Protein change: p.Thr1546=; no amino-acid change (threonine 1546 retained).
Molecular consequence: synonymous variant.
Genome position (GRCh38, 1-based): chr18:49,841,428, C>T on the plus strand (G>A on the coding strand, the complement: MYO5B is on the minus strand). VCF-style: chr18-49841428-C-T. GRCh37 (hg19) VCF-style: chr18-47367798-C-T.
Other names: c.4638G>A (NM_001080467.2).
Identifiers: ClinVar variation 1136685 (VCV001136685.11), dbSNP rs748616963, ClinGen allele CA8960275.